The following is an entry in ClinVar:

ClinVar aggregate classification (germline): Likely pathogenic (1 of 4 stars; one submission).

Conditions:
DSPP-related disorder. Also called: DSPP-related condition.

Submission:

PreventionGenetics, part of Exact Sciences
Classification: Likely pathogenic for DSPP-related condition. Last evaluated: 2025-11-07. Review status: criteria provided, single submitter. Criteria: ACMG Guidelines, 2015. Collection method: clinical testing. Allele origin: germline.
Comment: The DSPP c.1760_1767dup8 variant is predicted to result in a frameshift and premature protein termination (p.Ser590Alafs*727). To our knowledge, this variant has not been reported in the literature or in a large population database (gnomAD), indicating this variant is rare. Frameshift variants in DSPP are expected to be pathogenic. This variant is interpreted as likely pathogenic.

NM_014208.3(DSPP):c.1760_1767dup (p.Ser590fs)

Genes: DMP1-AS1 (DMP1 and DSPP antisense RNA 1; minus strand), DSPP (dentin sialophosphoprotein; plus strand). Cytogenetic location: 4q22.1.
Variant type: Duplication.
Coding change: c.1760_1767dup on transcript NM_014208.3 (MANE Select); coding-DNA positions 1760 to 1767, 8 bases duplicated (GCAGTGAT; older notation c.1760_1767dupGCAGTGAT).
Protein change: p.Ser590fs; shifts the reading frame from serine 590.
Molecular consequence: frameshift variant.
Genome position (GRCh38, 1-based): chr4:87,614,422-87,614,429, GCAGTGAT duplicated. VCF-style (leftmost placement, unchanged base first): chr4-87614421-A-AGCAGTGAT. GRCh37 (hg19) VCF-style: chr4-88535573-A-AGCAGTGAT.
Other names: c.1760_1767dup8 (NM_014208.3); short protein forms S590fs.
Identifiers: ClinVar variation 4985638 (VCV004985638.1).
Genomic context (GRCh38, chr4:87,614,421, plus strand): 5'-AGTGACAGTGACAGCAGTGATAGCAACAGTAGCAGTGATAGTGACAGCAGTGACAGTGAC[A>AGCAGTGAT]GCAGTGATAGCAGTGACAGTGATAGTAGTGATAGCAGCAATAGCAGTGACAGTAGTGACA-3'